The following is an entry in ClinVar:

ClinVar aggregate classification (germline): Uncertain significance (1 of 4 stars; one submission).

Conditions:
Oligodontia-cancer predisposition syndrome. Also called: TOOTH AGENESIS-COLORECTAL CANCER SYNDROME. Identifiers: Orphanet 300576, MedGen C1837750, MONDO:0012075, OMIM 608615. Disease mechanism: loss of function.

Submission:

Labcorp Genetics (formerly Invitae), Labcorp
Classification: Uncertain significance for Oligodontia-cancer predisposition syndrome. Last evaluated: 2021-03-07. Review status: criteria provided, single submitter. Criteria: Invitae Variant Classification Sherloc (09022015). Collection method: clinical testing. Allele origin: germline.
Comment: In summary, the available evidence is currently insufficient to determine the role of this variant in disease. Therefore, it has been classified as a Variant of Uncertain Significance. Algorithms developed to predict the effect of missense changes on protein structure and function are either unavailable or do not agree on the potential impact of this missense change (SIFT: "Deleterious"; PolyPhen-2: "Probably Damaging"; Align-GVGD: "Class C0"). This variant has not been reported in the literature in individuals with AXIN2-related conditions. This variant is not present in population databases (ExAC no frequency). This sequence change replaces arginine with tryptophan at codon 23 of the AXIN2 protein (p.Arg23Trp). The arginine residue is highly conserved and there is a moderate physicochemical difference between arginine and tryptophan.

NM_004655.4(AXIN2):c.67C>T (p.Arg23Trp)

Gene: AXIN2 (axin 2; minus strand). Cytogenetic location: 17q24.1.
Variant type: single nucleotide variant.
Coding change: c.67C>T on transcript NM_004655.4 (MANE Select); coding-DNA position 67, C replaced by T.
Protein change: p.Arg23Trp; replaces arginine 23 with tryptophan.
Molecular consequence: missense variant.
Genome position (GRCh38, 1-based): chr17:65,558,554, G>A on the plus strand (C>T on the coding strand, the complement: AXIN2 is on the minus strand). VCF-style: chr17-65558554-G-A. GRCh37 (hg19) VCF-style: chr17-63554672-G-A.
Other names: c.67C>T, p.Arg23Trp (NM_001363813.1); short protein forms R23W.
Identifiers: ClinVar variation 1412797 (VCV001412797.8), dbSNP rs2144591642, ClinGen allele CA400682299.